The following is an entry in ClinVar:

ClinVar aggregate classification (germline): Conflicting classifications of pathogenicity. Review status: criteria provided, conflicting classifications (1 of 4 stars). 3 submissions from 3 submitters: Uncertain significance (2); Likely benign (1). Last evaluated 2025-11-25.

Conditions:
Agammaglobulinemia 8b, autosomal recessive. Also called: AGAMMAGLOBULINEMIA, AUTOSOMAL RECESSIVE, DUE TO TCF3 DEFECT. Identifiers: MedGen C5676958, MONDO:0859234, OMIM 619824.

Allele frequency attached by ClinVar (database versions not stated): TOPMed 0.00002.
gnomAD v4.1: 43 of 1,324,510 alleles (0.0032%); highest among the groups gnomAD compares: Middle Eastern, 0.11%; no homozygotes.

Submissions (3):

Labcorp Genetics (formerly Invitae), Labcorp
Classification: Uncertain significance. Last evaluated: 2025-11-25. Review status: criteria provided, single submitter. Criteria: Invitae Variant Classification Sherloc (09022015). Collection method: clinical testing. Allele origin: germline.
Comment: This sequence change replaces alanine, which is neutral and non-polar, with threonine, which is neutral and polar, at codon 203 of the TCF3 protein (p.Ala203Thr). The frequency data for this variant in the population databases is considered unreliable, as metrics indicate poor data quality at this position in the gnomAD database. This variant has not been reported in the literature in individuals affected with TCF3-related conditions. ClinVar contains an entry for this variant (Variation ID: 636717). Invitae Evidence Modeling of protein sequence and biophysical properties (such as structural, functional, and spatial information, amino acid conservation, physicochemical variation, residue mobility, and thermodynamic stability) indicates that this missense variant is not expected to disrupt TCF3 protein function with a negative predictive value of 80%. In summary, the available evidence is currently insufficient to determine the role of this variant in disease. Therefore, it has been classified as a Variant of Uncertain Significance.

Blueprint Genetics
Classification: Uncertain significance. Last evaluated: 2024-11-20. Review status: criteria provided, single submitter. Criteria: ACMG Guidelines, 2015. Collection method: clinical testing. Allele origin: germline.

3billion
Classification: Likely benign for Agammaglobulinemia 8b, autosomal recessive. Last evaluated: 2024-09-20. Review status: criteria provided, single submitter. Criteria: ACMG Guidelines, 2015. Collection method: clinical testing. Allele origin: germline. Affected: no.
Comment: The homozygous variant was found in patients diagnosed with another variant in a different gene, with no symptoms related to the gene containing the homozygous variant.

NM_003200.5(TCF3):c.607G>A (p.Ala203Thr)

Gene: TCF3 (transcription factor 3; minus strand). Cytogenetic location: 19p13.3.
Variant type: single nucleotide variant.
Coding change: c.607G>A on transcript NM_003200.5 (MANE Select); coding-DNA position 607, G replaced by A.
Protein change: p.Ala203Thr; replaces alanine 203 with threonine.
Molecular consequence: missense variant.
Genome position (GRCh38, 1-based): chr19:1,622,358, C>T on the plus strand (G>A on the coding strand, the complement: TCF3 is on the minus strand). VCF-style: chr19-1622358-C-T. GRCh37 (hg19) VCF-style: chr19-1622357-C-T.
Other names: c.607G>A, p.Ala203Thr (NM_001136139.4, NM_001351778.2, NM_001351779.2); short protein forms A203T.
Identifiers: ClinVar variation 636717 (VCV000636717.8), dbSNP rs138005323, ClinGen allele CA9050294.